The following is an entry in ClinVar:

ClinVar aggregate classification (germline): Uncertain significance. Review status: criteria provided, multiple submitters, no conflicts (2 of 4 stars). 5 submissions from 5 submitters: Uncertain significance (5). Last evaluated 2026-01-26.

Conditions:
Spermatogenic failure 28. Identifiers: MedGen C4748117, MONDO:0054732, OMIM 618086.
Premature ovarian failure 15. Identifiers: MedGen C4748170, MONDO:0054862, OMIM 618096.
Fanconi anemia (FA). Also called: Fanconi's anemia. Identifiers: Orphanet 84, MedGen C0015625, MeSH D005199, MONDO:0019391.

Allele frequency attached by ClinVar (database versions not stated): gnomAD exomes 0.00008; ExAC 0.00001; TOPMed 0.00010; 1000 Genomes Project 30x 0.00016; 1000 Genomes Project 0.00020.
gnomAD v4.1: 65 of 1,611,632 alleles (0.004%); highest among the groups gnomAD compares: Admixed American, 0.052%; no homozygotes.

Submissions (5):

Labcorp Genetics (formerly Invitae), Labcorp
Classification: Uncertain significance for Fanconi anemia. Last evaluated: 2026-01-26. Review status: criteria provided, single submitter. Criteria: Invitae Variant Classification Sherloc (09022015). Collection method: clinical testing. Allele origin: germline.
Comment: This sequence change replaces histidine, which is basic and polar, with arginine, which is basic and polar, at codon 1451 of the FANCM protein (p.His1451Arg). This variant is present in population databases (rs572890751, gnomAD 0.06%). This variant has not been reported in the literature in individuals affected with FANCM-related conditions. ClinVar contains an entry for this variant (Variation ID: 456270). An algorithm developed to predict the effect of missense changes on protein structure and function (PolyPhen-2) suggests that this variant is likely to be tolerated. In summary, the available evidence is currently insufficient to determine the role of this variant in disease. Therefore, it has been classified as a Variant of Uncertain Significance.

Dasa
Classification: Uncertain significance. Last evaluated: 2025-09-30. Review status: criteria provided, single submitter. Criteria: DASA Assertion Criteria. Collection method: clinical testing. Allele origin: germline.
Comment: NM_020937.4(FANCM):c.4352A>G (p.His1451Arg) is a missense variant that results in the substitution of histidine with arginine. This variant is rare in population databases. Computational prediction algorithms are consistent with a benign effect. The currently available literature and clinical evidence are not sufficient to establish a definitive association between this variant and the reported condition. Therefore, this variant is classified as a variant of uncertain significance.

Quest Diagnostics Nichols Institute San Juan Capistrano
Classification: Uncertain significance. Last evaluated: 2025-02-07. Review status: criteria provided, single submitter. Criteria: Quest Diagnostics criteria. Collection method: clinical testing. Allele origin: unknown.
Comment: The FANCM c.4352A>G (p.His1451Arg) variant has been reported in the published literature in an individual with an unspecified hereditary cancer (PMID: 32235514 (2020)). In large scale breast cancer association studies, this variant has been observed in breast cancer cases and reportedly healthy individuals (PMID: 36707629 (2023), 33471991 (2021), see also LOVD). The frequency of this variant in the general population (Genome Aggregation Database) is uninformative in the assessment of its pathogenicity. Analysis of this variant using bioinformatics tools for the prediction of the effect of amino acid changes on protein structure and function yielded predictions that this variant is benign. Based on the available information, we are unable to determine the clinical significance of this variant.

GeneDx
Classification: Uncertain significance. Last evaluated: 2024-08-09. Review status: criteria provided, single submitter. Criteria: GeneDx Variant Classification Process June 2021. Collection method: clinical testing. Allele origin: germline. Affected: yes.
Comment: Has not been previously published as pathogenic or benign to our knowledge; In silico analysis indicates that this missense variant does not alter protein structure/function

Fulgent Genetics
Classification: Uncertain significance for Spermatogenic failure 28; Premature ovarian failure 15. Last evaluated: 2021-12-29. Review status: criteria provided, single submitter. Criteria: ACMG Guidelines, 2015. Collection method: clinical testing. Allele origin: unknown.

Literature cited by the submitters: PubMed 32235514 (cited by Quest Diagnostics Nichols Institute San Juan Capistrano); PubMed 36707629 (cited by Quest Diagnostics Nichols Institute San Juan Capistrano); PubMed 33471991 (cited by Quest Diagnostics Nichols Institute San Juan Capistrano).

NM_020937.4(FANCM):c.4352A>G (p.His1451Arg)

Gene: FANCM (FA complementation group M; plus strand). Cytogenetic location: 14q21.2.
Variant type: single nucleotide variant.
Coding change: c.4352A>G on transcript NM_020937.4 (MANE Select); coding-DNA position 4352, A replaced by G.
Protein change: p.His1451Arg; replaces histidine 1451 with arginine.
Molecular consequence: missense variant.
Genome position (GRCh38, 1-based): chr14:45,181,671, A>G. VCF-style: chr14-45181671-A-G. GRCh37 (hg19) VCF-style: chr14-45650874-A-G.
Other names: c.4274A>G, p.His1425Arg (NM_001308133.2); c.4352A>G (NM_020937.3, LRG_502t1); short protein forms H1451R, H1425R.
Identifiers: ClinVar variation 456270 (VCV000456270.17), dbSNP rs572890751, ClinGen allele CA7169703.